The following is an entry in ClinVar:

NM_130839.5(UBE3A):c.412A>G (p.Arg138Gly)

Genes: SNHG14 (small nucleolar RNA host gene 14; plus strand), UBE3A (ubiquitin protein ligase E3A; minus strand). Cytogenetic location: 15q11.2.
Variant type: single nucleotide variant.
Coding change: c.412A>G on transcript NM_130839.5 (MANE Select); coding-DNA position 412, A replaced by G.
Protein change: p.Arg138Gly; replaces arginine 138 with glycine.
Molecular consequence: missense variant. On other transcripts: non-coding transcript variant (1), intron variant (2).
Genome position (GRCh38, 1-based): chr15:25,371,762, T>C on the plus strand (A>G on the coding strand, the complement: UBE3A is on the minus strand). VCF-style: chr15-25371762-T-C. GRCh37 (hg19) VCF-style: chr15-25616909-T-C.
Other names: p.R138G:AGA>GGA; NM_130839.5(UBE3A):c.412A>G; p.Arg138Gly; c.421A>G, p.Arg141Gly (NM_000462.5); c.412A>G, p.Arg138Gly (NM_001354505.1, NM_001354538.2, NM_001354545.2); c.352A>G, p.Arg118Gly (NM_001354506.2, NM_001354507.2, NM_001354508.2 and 17 more transcripts); c.235A>G, p.Arg79Gly (NM_001354546.2); c.301+3703A>G (NM_001354551.2); and 1 more; short protein forms R118G, R138G, R141G, R79G.
Identifiers: ClinVar variation 156623 (VCV000156623.9), dbSNP rs587783100, ClinGen allele CA294642.

ClinVar aggregate classification (germline): Uncertain significance. Review status: reviewed by expert panel (3 of 4 stars). 3 submissions from 3 submitters: Uncertain significance (1). 2 of the submissions do not count toward it. Last evaluated 2024-04-18.

Conditions:
Angelman syndrome (AS). Also called: HAPPY PUPPET SYNDROME. Identifiers: Orphanet 72, MedGen C0162635, MONDO:0007113, OMIM 105830. Disease mechanism: loss of function. Inheritance: AS is caused by disruption of maternally imprinted UBE3A located within the 15q11.2-q13 Angelman syndrome/Prader-Willi syndrome (AS/PWS) region., imprinting disorder.

Allele frequency attached by ClinVar (database versions not stated): gnomAD exomes 0.00001 and 0.00002; TOPMed 0.00001; ExAC 0.00002.
gnomAD v4.1: 18 of 1,613,276 alleles (0.0011%); highest among the groups gnomAD compares: Non-Finnish European, 0.0014%; no homozygotes.

Submissions (3):

ClinGen Rett and Angelman-like Disorders Variant Curation Expert Panel
Classification: Uncertain significance for Angelman syndrome. Last evaluated: 2024-04-18. Review status: reviewed by expert panel. Criteria: ClinGen RettAS ACMG Specifications UBE3A V4.0.0. Collection method: curation. Allele origin: germline. Inheritance: Autosomal dominant inheritance.
Comment: The p.Arg118Gly variant in UBE3A (NM_130838.2) is present in 11 XX and 7 XY individual(s) in gnomAD v4.0 (0.001%) (not sufficient to meet BS1 criteria). Computational analysis prediction tools suggest that the p.Arg118Gly variant does not have a deleterious impact; however this information does not predict clinical significance on its own (BP4). In summary, the p.Arg118Gly variant in UBE3A is classified as a variant of uncertain significance based on the ACMG/AMP criteria (BP4).

Labcorp Genetics (formerly Invitae), Labcorp
Classification: Uncertain significance for Angelman syndrome. Last evaluated: 2021-08-28. Review status: criteria provided, single submitter. Criteria: Invitae Variant Classification Sherloc (09022015). Collection method: clinical testing. Allele origin: germline. Not counted in ClinVar's aggregate classification.
Comment: This sequence change replaces arginine with glycine at codon 118 of the UBE3A protein (p.Arg118Gly). The arginine residue is highly conserved and there is a moderate physicochemical difference between arginine and glycine. This variant is present in population databases (rs587783100, ExAC 0.003%). This variant has not been reported in the literature in individuals with UBE3A-related conditions. ClinVar contains an entry for this variant (Variation ID: 156623). Algorithms developed to predict the effect of missense changes on protein structure and function are either unavailable or do not agree on the potential impact of this missense change (SIFT: "Not Available"; PolyPhen-2: "Benign"; Align-GVGD: "Not Available"). In summary, the available evidence is currently insufficient to determine the role of this variant in disease. Therefore, it has been classified as a Variant of Uncertain Significance.

GeneDx
Classification: Likely benign. Last evaluated: 2019-05-17. Review status: criteria provided, single submitter. Criteria: GeneDx Variant Classification Process June 2021. Collection method: clinical testing. Allele origin: germline. Affected: yes. Not counted in ClinVar's aggregate classification.
Comment: This variant is associated with the following publications: (PMID: 22494076)